The following is an entry in ClinVar:

NM_003628.6(PKP4):c.2525C>T (p.Thr842Ile)

Genes: PKP4 (plakophilin 4; plus strand), PKP4-AS1 (PKP4 antisense RNA 1; minus strand). Cytogenetic location: 2q24.1.
Variant type: single nucleotide variant.
Coding change: c.2525C>T on transcript NM_003628.6 (MANE Select); coding-DNA position 2525, C replaced by T.
Protein change: p.Thr842Ile; replaces threonine 842 with isoleucine.
Molecular consequence: missense variant.
Genome position (GRCh38, 1-based): chr2:158,663,393, C>T. VCF-style: chr2-158663393-C-T. GRCh37 (hg19) VCF-style: chr2-159519905-C-T.
Other names: c.2525C>T, p.Thr842Ile (NM_001005476.4, NM_001304971.2, NM_001377218.1 and 1 more transcripts); c.2522C>T, p.Thr841Ile (NM_001304969.3, NM_001377219.1, NM_001377220.1 and 2 more transcripts); c.1496C>T, p.Thr499Ile (NM_001304970.3); c.2519C>T, p.Thr840Ile (NM_001377222.1, NM_001377223.1); c.2516C>T, p.Thr839Ile (NM_001377224.1); short protein forms T499I, T842I, T839I, T840I, T841I.
Identifiers: ClinVar variation 2561552 (VCV002561552.2), dbSNP rs756104157, ClinGen allele CA1921020.

ClinVar aggregate classification (germline): Uncertain significance (1 of 4 stars; one submission).

Allele frequency attached by ClinVar (database versions not stated): gnomAD exomes below 0.00001; ExAC 0.00001.
gnomAD v4.1: 8 of 1,614,140 alleles (0.0005%); highest among the groups gnomAD compares: Non-Finnish European, 0.00059%; no homozygotes.

Submission:

Ambry Genetics
Classification: Uncertain significance. Last evaluated: 2023-04-18. Review status: criteria provided, single submitter. Criteria: Ambry Variant Classification Scheme 2023. Collection method: clinical testing. Allele origin: germline.
Comment: The p.T842I variant (also known as c.2525C>T), located in coding exon 14 of the PKP4 gene, results from a C to T substitution at nucleotide position 2525. The threonine at codon 842 is replaced by isoleucine, an amino acid with similar properties. This amino acid position is conserved. In addition, this alteration is predicted to be deleterious by in silico analysis. Since supporting evidence is limited at this time, the clinical significance of this alteration remains unclear.